The following is an entry in ClinVar:

NM_012335.4(MYO1F):c.1566C>T (p.Asp522=)

Gene: MYO1F (myosin IF; minus strand). Cytogenetic location: 19p13.2.
Variant type: single nucleotide variant.
Coding change: c.1566C>T on transcript NM_012335.4 (MANE Select); coding-DNA position 1566, C replaced by T.
Protein change: p.Asp522=; no amino-acid change (aspartic acid 522 retained).
Molecular consequence: synonymous variant.
Genome position (GRCh38, 1-based): chr19:8,541,950, G>A on the plus strand (C>T on the coding strand, the complement: MYO1F is on the minus strand). VCF-style: chr19-8541950-G-A. GRCh37 (hg19) VCF-style: chr19-8606834-G-A.
Other names: c.1554C>T, p.Asp518= (NM_001348355.2).
Identifiers: ClinVar variation 508704 (VCV000508704.5), dbSNP rs34295411, ClinGen allele CA9159226.

ClinVar aggregate classification (germline): Benign/Likely benign. Review status: criteria provided, multiple submitters, no conflicts (2 of 4 stars). 3 submissions from 3 submitters: Benign (1); Likely benign (2). Last evaluated 2019-01-03.

Allele frequency attached by ClinVar (database versions not stated): gnomAD exomes 0.00039 and 0.00091; ExAC 0.00110; 1000 Genomes Project 0.00339; gnomAD 0.00352 and 0.00381; 1000 Genomes Project 30x 0.00359; TOPMed 0.00394; ESP Exome Variant Server 0.00437.
gnomAD v4.1: 1,116 of 1,613,560 alleles (0.069%); highest among the groups gnomAD compares: African/African-American, 1.3%; 3 homozygotes.

Submissions (3):

Labcorp Genetics (formerly Invitae), Labcorp
Classification: Benign. Last evaluated: 2019-01-03. Review status: criteria provided, single submitter. Criteria: Invitae Variant Classification Sherloc (09022015). Collection method: clinical testing. Allele origin: germline.

GeneDx
Classification: Likely benign. Last evaluated: 2017-12-26. Review status: criteria provided, single submitter. Criteria: GeneDx Variant Classification (06012015). Collection method: clinical testing. Allele origin: germline. Affected: yes.
Comment: This variant is considered likely benign or benign based on one or more of the following criteria: it is a conservative change, it occurs at a poorly conserved position in the protein, it is predicted to be benign by multiple in silico algorithms, and/or has population frequency not consistent with disease.

Breakthrough Genomics
Classification: Likely benign. Review status: criteria provided, single submitter. Criteria: ACMG Guidelines, 2015. Collection method: not provided. Allele origin: germline. Inheritance: Unknown mechanism. Affected: yes.